The following is an entry in ClinVar:

ClinVar aggregate classification (germline): Uncertain significance (1 of 4 stars; one submission).

Submission:

Labcorp Genetics (formerly Invitae), Labcorp
Classification: Uncertain significance. Last evaluated: 2025-03-18. Review status: criteria provided, single submitter. Criteria: Invitae Variant Classification Sherloc (09022015). Collection method: clinical testing. Allele origin: germline.
Comment: This sequence change replaces tyrosine, which is neutral and polar, with serine, which is neutral and polar, at codon 459 of the TAOK2 protein (p.Tyr459Ser). The frequency data for this variant in the population databases is considered unreliable, as metrics indicate poor data quality at this position in the gnomAD database. This variant has not been reported in the literature in individuals affected with TAOK2-related conditions. An algorithm developed to predict the effect of missense changes on protein structure and function (PolyPhen-2) suggests that this variant is likely to be disruptive. In summary, the available evidence is currently insufficient to determine the role of this variant in disease. Therefore, it has been classified as a Variant of Uncertain Significance.

NM_016151.4(TAOK2):c.1376A>C (p.Tyr459Ser)

Gene: TAOK2 (TAO kinase 2; plus strand). Cytogenetic location: 16p11.2.
Variant type: single nucleotide variant.
Coding change: c.1376A>C on transcript NM_016151.4 (MANE Select); coding-DNA position 1376, A replaced by C.
Protein change: p.Tyr459Ser; replaces tyrosine 459 with serine.
Molecular consequence: missense variant.
Genome position (GRCh38, 1-based): chr16:29,983,618, A>C. VCF-style: chr16-29983618-A-C. GRCh37 (hg19) VCF-style: chr16-29994939-A-C.
Other names: c.1376A>C, p.Tyr459Ser (NM_001252043.2, NM_004783.4); short protein forms Y459S.
Identifiers: ClinVar variation 4714429 (VCV004714429.1).